The following is an entry in ClinVar:

NM_000844.4(GRM7):c.1739C>T (p.Pro580Leu)

Gene: GRM7 (glutamate metabotropic receptor 7; plus strand). Cytogenetic location: 3p26.1.
Variant type: single nucleotide variant.
Coding change: c.1739C>T on transcript NM_000844.4 (MANE Select); coding-DNA position 1739, C replaced by T.
Protein change: p.Pro580Leu; replaces proline 580 with leucine.
Molecular consequence: missense variant.
Genome position (GRCh38, 1-based): chr3:7,578,645, C>T. VCF-style: chr3-7578645-C-T. GRCh37 (hg19) VCF-style: chr3-7620332-C-T.
Other names: c.1739C>T, p.Pro580Leu (NM_181874.3); short protein forms P580L.
Identifiers: ClinVar variation 2747786 (VCV002747786.3), dbSNP rs1268057990, ClinGen allele CA351799327.

ClinVar aggregate classification (germline): Uncertain significance (1 of 4 stars; one submission).

Allele frequency attached by ClinVar (database versions not stated): gnomAD exomes below 0.00001.
gnomAD v4.1: 1 of 1,613,784 alleles (0.000062%); highest among the groups gnomAD compares: Non-Finnish European, 0.000085%; no homozygotes.

Submission:

Labcorp Genetics (formerly Invitae), Labcorp
Classification: Uncertain significance. Last evaluated: 2024-10-29. Review status: criteria provided, single submitter. Criteria: Invitae Variant Classification Sherloc (09022015). Collection method: clinical testing. Allele origin: germline.
Comment: This sequence change replaces proline, which is neutral and non-polar, with leucine, which is neutral and non-polar, at codon 580 of the GRM7 protein (p.Pro580Leu). This variant is present in population databases (no rsID available, gnomAD 0.0009%). This variant has not been reported in the literature in individuals affected with GRM7-related conditions. ClinVar contains an entry for this variant (Variation ID: 2747786). Invitae Evidence Modeling of protein sequence and biophysical properties (such as structural, functional, and spatial information, amino acid conservation, physicochemical variation, residue mobility, and thermodynamic stability) indicates that this missense variant is not expected to disrupt GRM7 protein function with a negative predictive value of 80%. In summary, the available evidence is currently insufficient to determine the role of this variant in disease. Therefore, it has been classified as a Variant of Uncertain Significance.